The following is an entry in ClinVar:

NM_001130144.3(LTBP3):c.431C>T (p.Ala144Val)

Gene: LTBP3 (latent transforming growth factor beta binding protein 3; minus strand). Cytogenetic location: 11q13.1.
Variant type: single nucleotide variant.
Coding change: c.431C>T on transcript NM_001130144.3 (MANE Select); coding-DNA position 431, C replaced by T.
Protein change: p.Ala144Val; replaces alanine 144 with valine.
Molecular consequence: missense variant.
Genome position (GRCh38, 1-based): chr11:65,554,281, G>A on the plus strand (C>T on the coding strand, the complement: LTBP3 is on the minus strand). VCF-style: chr11-65554281-G-A. GRCh37 (hg19) VCF-style: chr11-65321752-G-A.
Other names: c.80C>T, p.Ala27Val (NM_001164266.1); c.431C>T, p.Ala144Val (NM_021070.4); short protein forms A144V, A27V.
Identifiers: ClinVar variation 1488414 (VCV001488414.6), dbSNP rs746544643, ClinGen allele CA6101241.

ClinVar aggregate classification (germline): Uncertain significance (1 of 4 stars; one submission).

Conditions:
Brachyolmia-amelogenesis imperfecta syndrome. Also called: Tooth agenesis, selective, 6; Dental anomalies and short stature; PLATYSPONDYLY WITH AMELOGENESIS IMPERFECTA. Identifiers: Orphanet 2899, MedGen C1832594, MONDO:0011018, OMIM 601216. Disease mechanism: loss of function.

Allele frequency attached by ClinVar (database versions not stated): gnomAD exomes below 0.00001 and 0.00001; ExAC 0.00003.
gnomAD v4.1: 7 of 1,611,254 alleles (0.00043%); highest among the groups gnomAD compares: Non-Finnish European, 0.00034%; no homozygotes.

Submission:

Labcorp Genetics (formerly Invitae), Labcorp
Classification: Uncertain significance for Brachyolmia-amelogenesis imperfecta syndrome. Last evaluated: 2022-08-16. Review status: criteria provided, single submitter. Criteria: Invitae Variant Classification Sherloc (09022015). Collection method: clinical testing. Allele origin: germline.
Comment: This variant is present in population databases (rs746544643, gnomAD 0.003%). This sequence change replaces alanine, which is neutral and non-polar, with valine, which is neutral and non-polar, at codon 144 of the LTBP3 protein (p.Ala144Val). In summary, the available evidence is currently insufficient to determine the role of this variant in disease. Therefore, it has been classified as a Variant of Uncertain Significance. Algorithms developed to predict the effect of sequence changes on RNA splicing suggest that this variant may create or strengthen a splice site. Algorithms developed to predict the effect of missense changes on protein structure and function are either unavailable or do not agree on the potential impact of this missense change (SIFT: "Tolerated"; PolyPhen-2: "Possibly Damaging"; Align-GVGD: "Class C0"). ClinVar contains an entry for this variant (Variation ID: 1488414). This variant has not been reported in the literature in individuals affected with LTBP3-related conditions.